The following is an entry in ClinVar:

ClinVar aggregate classification (germline): Uncertain significance. Review status: criteria provided, single submitter (1 of 4 stars). 2 submissions from 2 submitters: Uncertain significance (1). 1 of the submissions does not count toward it. Last evaluated 2025-06-12.

Conditions:
Familial Mediterranean fever (FMF). Also called: POLYSEROSITIS, FAMILIAL PAROXYSMAL; POLYSEROSITIS, RECURRENT; Periodic peritonitis; Benign paroxysmal peritonitis. Identifiers: Orphanet 342, MedGen C0031069, MONDO:0018088, OMIM 249100. Disease mechanism: gain of function.

Submissions (2):

Labcorp Genetics (formerly Invitae), Labcorp
Classification: Uncertain significance for Familial Mediterranean fever. Last evaluated: 2025-06-12. Review status: criteria provided, single submitter. Criteria: Invitae Variant Classification Sherloc (09022015). Collection method: clinical testing. Allele origin: germline.
Comment: This sequence change replaces alanine, which is neutral and non-polar, with serine, which is neutral and polar, at codon 139 of the MEFV protein (p.Ala139Ser). Information on the frequency of this variant in the gnomAD database is not available, as this variant may be reported differently in the database. This variant has not been reported in the literature in individuals affected with MEFV-related conditions. ClinVar contains an entry for this variant (Variation ID: 591331). Experimental studies and prediction algorithms are not available or were not evaluated, and the functional significance of this variant is currently unknown. In summary, the available evidence is currently insufficient to determine the role of this variant in disease. Therefore, it has been classified as a Variant of Uncertain Significance.

Gharavi Laboratory, Columbia University
Classification: Uncertain significance. Last evaluated: 2018-09-16. Review status: no assertion criteria provided. Criteria: ACMG Guidelines, 2015. Collection method: research. Allele origin: germline. Affected: yes. Not counted in ClinVar's aggregate classification.

NM_000243.3(MEFV):c.414_415delinsGT (p.Ala139Ser)

Gene: MEFV (MEFV innate immunity regulator, pyrin; minus strand). Cytogenetic location: 16p13.3.
Variant type: Indel.
Coding change: c.414_415delinsGT on transcript NM_000243.3 (MANE Select); coding-DNA positions 414 to 415, AG replaced by GT.
Protein change: p.Ala139Ser; replaces alanine 139 with serine.
Molecular consequence: missense variant. On other transcripts: intron variant (1).
Genome position (GRCh38, 1-based): chr16:3,254,653-3,254,654, CT replaced by AC on the plus strand (AG replaced by GT on the coding strand, the reverse complement: MEFV is on the minus strand). VCF-style: chr16-3254653-CT-AC. GRCh37 (hg19) VCF-style: chr16-3304653-CT-AC.
Other names: c.277+1657_277+1658delinsGT (NM_001198536.2); short protein forms A139S.
Identifiers: ClinVar variation 591331 (VCV000591331.4), dbSNP rs1567237666, ClinGen allele CA891862990.